The following is an entry in ClinVar:

NM_022367.4(SEMA4A):c.106C>A (p.Gln36Lys)

Gene: SEMA4A (semaphorin 4A; plus strand). Cytogenetic location: 1q22.
Variant type: single nucleotide variant.
Coding change: c.106C>A on transcript NM_022367.4 (MANE Select); coding-DNA position 106, C replaced by A.
Protein change: p.Gln36Lys; replaces glutamine 36 with lysine.
Molecular consequence: missense variant. On other transcripts: 5 prime UTR variant (1), intron variant (3).
Genome position (GRCh38, 1-based): chr1:156,154,684, C>A. VCF-style: chr1-156154684-C-A. GRCh37 (hg19) VCF-style: chr1-156124475-C-A.
Other names: c.106C>A, p.Gln36Lys (NM_001193300.2, NM_001193301.2, NM_001370567.1); c.-419C>A (NM_001370571.1); c.-385-1730C>A (NM_001370569.1); c.-158-1730C>A (NM_001370568.1); c.-159+920C>A (NM_001193302.2); c.106C>A (NM_022367.3); short protein forms Q36K.
Identifiers: ClinVar variation 1931980 (VCV001931980.6), dbSNP rs1325125549, ClinGen allele CA342834067.
Genomic context (GRCh38, chr1:156,154,684, plus strand): 5'-CTTTTCCTCTTCCAACTGCTTCAGCTGCTGCTGCCGACGACGACCGCGGGGGGAGGCGGG[C>A]AGGGGCCCATGCCCAGGGTCAGATACTATGCAGGTAAGTGTCCGACAGCAGGAAGTGTGG-3'
Protein context (NP_071762.2, residues 26-46): LPTTTAGGGG[Gln36Lys]GPMPRVRYYA

ClinVar aggregate classification (germline): Uncertain significance. Review status: criteria provided, multiple submitters, no conflicts (2 of 4 stars). 2 submissions from 2 submitters: Uncertain significance (2). Last evaluated 2024-06-07.

Allele frequency attached by ClinVar (database versions not stated): gnomAD 0.00001; TOPMed 0.00002.
gnomAD v4.1: 3 of 1,593,822 alleles (0.00019%); highest among the groups gnomAD compares: Admixed American, 0.0036%; no homozygotes.

Submissions (2):

Ambry Genetics
Classification: Uncertain significance. Last evaluated: 2024-06-07. Review status: criteria provided, single submitter. Criteria: Ambry Variant Classification Scheme 2023. Collection method: clinical testing. Allele origin: germline.

Labcorp Genetics (formerly Invitae), Labcorp
Classification: Uncertain significance. Last evaluated: 2022-10-24. Review status: criteria provided, single submitter. Criteria: Invitae Variant Classification Sherloc (09022015). Collection method: clinical testing. Allele origin: germline.
Comment: This sequence change replaces glutamine, which is neutral and polar, with lysine, which is basic and polar, at codon 36 of the SEMA4A protein (p.Gln36Lys). This variant is not present in population databases (gnomAD no frequency). This variant has not been reported in the literature in individuals affected with SEMA4A-related conditions. Algorithms developed to predict the effect of missense changes on protein structure and function (SIFT, PolyPhen-2, Align-GVGD) all suggest that this variant is likely to be tolerated. In summary, the available evidence is currently insufficient to determine the role of this variant in disease. Therefore, it has been classified as a Variant of Uncertain Significance.